The following is an entry in ClinVar:

NM_003060.4(SLC22A5):c.393+1G>T

Gene: SLC22A5 (solute carrier family 22 member 5; plus strand). Cytogenetic location: 5q31.1.
Variant type: single nucleotide variant.
Coding change: c.393+1G>T on transcript NM_003060.4 (MANE Select); the canonical splice donor site of the intron after coding-DNA position 393, G replaced by T.
Molecular consequence: splice donor variant.
Genome position (GRCh38, 1-based): chr5:132,370,366, G>T. VCF-style: chr5-132370366-G-T. GRCh37 (hg19) VCF-style: chr5-131706058-G-T.
Other names: c.393+1G>T (NM_001308122.2).
Identifiers: ClinVar variation 4721097 (VCV004721097.1).
Genomic context (GRCh38, chr5:132,370,366, plus strand): 5'-AGCTGTCTGGATGGCTGGGAGTTCAGTCAGGACGTCTACCTGTCCACCATTGTGACCGAG[G>T]TGGGTGCCGGCCCCTGCTGGGGCTGAGACCAGGGCTCGGAGGACCTGTCGCGGTCCTTGA-3'

ClinVar aggregate classification (germline): Pathogenic (1 of 4 stars; one submission).

Conditions:
Renal carnitine transport defect (CDSP). Also called: Carnitine transporter deficiency; Carnitine Deficiency, Systemic; CARNITINE DEFICIENCY, SYSTEMIC, DUE TO DEFECT IN RENAL REABSORPTION OF CARNITINE; CARNITINE TRANSPORTER, PLASMA-MEMBRANE, DEFICIENCY OF; CARNITINE UPTAKE DEFECT; Primary carnitine deficiency. Identifiers: Orphanet 158, MedGen C0342788, MONDO:0008919, OMIM 212140.

Submission:

Labcorp Genetics (formerly Invitae), Labcorp
Classification: Pathogenic for Renal carnitine transport defect. Last evaluated: 2025-07-31. Review status: criteria provided, single submitter. Criteria: Invitae Variant Classification Sherloc (09022015). Collection method: clinical testing. Allele origin: germline.
Comment: This sequence change affects a donor splice site in intron 1 of the SLC22A5 gene. It is expected to disrupt RNA splicing. Variants that disrupt the donor or acceptor splice site typically lead to a loss of protein function (PMID: 16199547), and loss-of-function variants in SLC22A5 are known to be pathogenic (PMID: 9916797). This variant is not present in population databases (gnomAD no frequency). Disruption of this splice site has been observed in individual(s) with primary carnitine deficiency (internal data). In at least one individual the data is consistent with being in trans (on the opposite chromosome) from a pathogenic variant. Algorithms developed to predict the effect of sequence changes on RNA splicing suggest that this variant may disrupt the consensus splice site. For these reasons, this variant has been classified as Pathogenic.

Literature cited by the submitters: PubMed 16199547; PubMed 9916797.